The following is an entry in ClinVar:

ClinVar aggregate classification (germline): Uncertain significance (1 of 4 stars; one submission).

Submission:

Ambry Genetics
Classification: Uncertain significance. Last evaluated: 2025-07-15. Review status: criteria provided, single submitter. Criteria: Ambry Variant Classification Scheme 2023. Collection method: clinical testing. Allele origin: germline.
Comment: The p.Y1251H variant (also known as c.3751T>C), located in coding exon 30 of the A2ML1 gene, results from a T to C substitution at nucleotide position 3751. The tyrosine at codon 1251 is replaced by histidine, an amino acid with similar properties. This amino acid position is conserved. In addition, the in silico prediction for this alteration is inconclusive. Based on the available evidence, the clinical significance of this variant remains unclear.

NM_144670.6(A2ML1):c.3751T>C (p.Tyr1251His)

Gene: A2ML1 (alpha-2-macroglobulin like 1; plus strand). Cytogenetic location: 12p13.31.
Variant type: single nucleotide variant.
Coding change: c.3751T>C on transcript NM_144670.6 (MANE Select); coding-DNA position 3751, T replaced by C.
Protein change: p.Tyr1251His; replaces tyrosine 1251 with histidine.
Molecular consequence: missense variant.
Genome position (GRCh38, 1-based): chr12:8,867,875, T>C. VCF-style: chr12-8867875-T-C. GRCh37 (hg19) VCF-style: chr12-9020471-T-C.
Other names: c.2278T>C, p.Tyr760His (NM_001282424.3); short protein forms Y760H, Y1251H.
Identifiers: ClinVar variation 4238947 (VCV004238947.1).
Genomic context (GRCh38, chr12:8,867,875, plus strand): 5'-AAGTATACGTTTGGTTGTTTCCCTCAGGATACTGTAGTTGCTCTCCAAGCTCTTGCCAAA[T>C]ATGCCACTACCGCCTACATGCCATCTGAGGAGATCAACCTGGTTGTAAAATCCACTGAGA-3'
Protein context (NP_653271.3, residues 1241-1261): TVVALQALAK[Tyr1251His]ATTAYMPSEE